The following is an entry in ClinVar:

NM_004958.4(MTOR):c.1842G>C (p.Glu614Asp)

Gene: MTOR (mechanistic target of rapamycin kinase; minus strand). Cytogenetic location: 1p36.22.
Variant type: single nucleotide variant.
Coding change: c.1842G>C on transcript NM_004958.4 (MANE Select); coding-DNA position 1842, G replaced by C.
Protein change: p.Glu614Asp; replaces glutamic acid 614 with aspartic acid.
Molecular consequence: missense variant.
Genome position (GRCh38, 1-based): chr1:11,238,562, C>G on the plus strand (G>C on the coding strand, the complement: MTOR is on the minus strand). VCF-style: chr1-11238562-C-G. GRCh37 (hg19) VCF-style: chr1-11298619-C-G.
Other names: c.1842G>C, p.Glu614Asp (NM_001386500.1); c.594G>C, p.Glu198Asp (NM_001386501.1); short protein forms E614D, E198D.
Identifiers: ClinVar variation 3690094 (VCV003690094.2).

ClinVar aggregate classification (germline): Uncertain significance (1 of 4 stars; one submission).

gnomAD v4.1: 2 of 1,614,200 alleles (0.00012%); highest among the groups gnomAD compares: Non-Finnish European, 0.00017%; no homozygotes.

Submission:

Labcorp Genetics (formerly Invitae), Labcorp
Classification: Uncertain significance. Last evaluated: 2024-08-11. Review status: criteria provided, single submitter. Criteria: Invitae Variant Classification Sherloc (09022015). Collection method: clinical testing. Allele origin: germline.
Comment: This sequence change replaces glutamic acid, which is acidic and polar, with aspartic acid, which is acidic and polar, at codon 614 of the MTOR protein (p.Glu614Asp). This variant is not present in population databases (gnomAD no frequency). This variant has not been reported in the literature in individuals affected with MTOR-related conditions. Advanced modeling of protein sequence and biophysical properties (such as structural, functional, and spatial information, amino acid conservation, physicochemical variation, residue mobility, and thermodynamic stability) performed at Invitae indicates that this missense variant is not expected to disrupt MTOR protein function with a negative predictive value of 95%. In summary, the available evidence is currently insufficient to determine the role of this variant in disease. Therefore, it has been classified as a Variant of Uncertain Significance.